The following is an entry in ClinVar:

NM_000069.3(CACNA1S):c.4153G>C (p.Asp1385His)

Gene: CACNA1S (calcium voltage-gated channel subunit alpha1 S; minus strand). Cytogenetic location: 1q32.1.
Variant type: single nucleotide variant.
Coding change: c.4153G>C on transcript NM_000069.3 (MANE Select); coding-DNA position 4153, G replaced by C.
Protein change: p.Asp1385His; replaces aspartic acid 1385 with histidine.
Molecular consequence: missense variant.
Genome position (GRCh38, 1-based): chr1:201,050,477, C>G on the plus strand (G>C on the coding strand, the complement: CACNA1S is on the minus strand). VCF-style: chr1-201050477-C-G. GRCh37 (hg19) VCF-style: chr1-201019605-C-G.
Other names: short protein forms D1385H.
Identifiers: ClinVar variation 3234825 (VCV003234825.20), dbSNP rs2464444135, ClinGen allele CA344148679.
Genomic context (GRCh38, chr1:201,050,477, plus strand): 5'-TGGCCTTGAACTCATCCAGGTGATGAGGGCCCAGGATGGACCAGTCCCGGGTGAGGTAGT[C>G]AAAATTGTCCATGATGACAGCCACAAAGAGGTTGATGACCTGCAAGAGAAGAACCAAGGG-3'
Protein context (NP_000060.2, residues 1375-1395): LFVAVIMDNF[Asp1385His]YLTRDWSILG

ClinVar aggregate classification (germline): Uncertain significance (1 of 4 stars; one submission).

Submission:

CeGaT Center for Human Genetics Tuebingen
Classification: Uncertain significance. Last evaluated: 2024-04-01. Review status: criteria provided, single submitter. Criteria: CeGaT Center For Human Genetics Tuebingen Variant Classification Criteria Version 2. Collection method: clinical testing. Allele origin: germline. Affected: yes. Observed: 1 variant allele.
Comment: CACNA1S: PM2, PP3